The following is an entry in ClinVar:

ClinVar aggregate classification (germline): Pathogenic. Review status: reviewed by expert panel (3 of 4 stars). 4 submissions from 4 submitters: Pathogenic (1). 3 of the submissions do not count toward it. Last evaluated 2016-09-08.

Conditions:
Hereditary breast ovarian cancer syndrome. Also called: Hereditary breast and ovarian cancer syndrome (HBOC); Hereditary breast and ovarian cancer syndrome; Hereditary breast and ovarian cancer; Hereditary breast and/or ovarian cancer syndrome; Breast and ovarian cancer; BRCA1- and BRCA2-Associated Hereditary Breast and Ovarian Cancer. Identifiers: Orphanet 145, MedGen C0677776, MeSH D061325, MONDO:0003582. Disease mechanism: loss of function.
Breast-ovarian cancer, familial, susceptibility to, 1 (BROVCA1). Also called: OVARIAN CANCER, SUSCEPTIBILITY TO; BRCA1 Hereditary Breast and Ovarian Cancer. Identifiers: Orphanet 145, MedGen C2676676, MONDO:0011450, OMIM 604370. Disease mechanism: loss of function.

Submissions (4):

Evidence-based Network for the Interpretation of Germline Mutant Alleles (ENIGMA)
Classification: Pathogenic for Breast-ovarian cancer, familial, susceptibility to, 1. Last evaluated: 2016-09-08. Review status: reviewed by expert panel. Criteria: ENIGMA BRCA1/2 Classification Criteria (2015). Collection method: curation. Allele origin: germline.
Comment: Variant allele predicted to encode a truncated non-functional protein.

Consortium of Investigators of Modifiers of BRCA1/2 (CIMBA), c/o University of Cambridge
Classification: Pathogenic for Breast-ovarian cancer, familial, susceptibility to, 1. Last evaluated: 2015-10-02. Review status: criteria provided, single submitter. Criteria: CIMBA Mutation Classification guidelines May 2016. Collection method: clinical testing. Allele origin: germline. Not counted in ClinVar's aggregate classification.

Research Molecular Genetics Laboratory, Women's College Hospital, University of Toronto
Classification: Pathogenic for Hereditary breast ovarian cancer syndrome. Last evaluated: 2014-01-31. Review status: no assertion criteria provided. Collection method: research. Allele origin: germline. Affected: yes. Study: The Canadian Open Genetics Repository (COGR). Not counted in ClinVar's aggregate classification.

Breast Cancer Information Core (BIC) (BRCA1)
Classification: Pathogenic for Breast-ovarian cancer, familial 1. Last evaluated: 2002-05-29. Review status: no assertion criteria provided. Collection method: clinical testing. Allele origin: germline. Affected: yes. Observed: 1 variant allele. Not counted in ClinVar's aggregate classification.

NM_007294.4(BRCA1):c.2726_2730del (p.Asn909fs)

Gene: BRCA1 (BRCA1 DNA repair associated; minus strand). Cytogenetic location: 17q21.31.
Variant type: Deletion.
Coding change: c.2726_2730del on transcript NM_007294.4 (MANE Select); coding-DNA positions 2726 to 2730, 5 bases deleted (ATCAA; older notation c.2726_2730delATCAA).
Protein change: p.Asn909fs; shifts the reading frame from asparagine 909.
Molecular consequence: frameshift variant. On other transcripts: intron variant (137).
Genome position (GRCh38, 1-based): chr17:43,092,801-43,092,805, TTGAT deleted on the plus strand (ATCAA on the coding strand, the reverse complement: BRCA1 is on the minus strand); deleting any 5 consecutive bases within chr17:43,092,801-43,092,807 gives the same sequence; the c. name uses the placement nearest the transcript's 3' end. VCF-style (leftmost placement, unchanged base first): chr17-43092800-CTTGAT-C. GRCh37 (hg19) VCF-style: chr17-41244817-CTTGAT-C.
Other names: 2843del5; c.2726_2730delATCAA (NM_007294.3); c.2513_2517del, p.Asn838fs (NM_001407571.1, NM_001407853.1, NM_001407894.1 and 9 more transcripts); c.2726_2730del, p.Asn909fs (NM_001407581.1, NM_001407582.1, NM_001407583.1 and 30 more transcripts); c.2723_2727del, p.Asn908fs (NM_001407587.1, NM_001407590.1, NM_001407591.1 and 22 more transcripts); c.2717_2721del, p.Asn906fs (NM_001407646.1, NM_001407647.1); c.2603_2607del, p.Asn868fs (NM_001407648.1, NM_001407664.1, NM_001407665.1 and 19 more transcripts); c.2600_2604del, p.Asn867fs (NM_001407649.1, NM_001407670.1, NM_001407671.1 and 11 more transcripts); and 43 more; short protein forms N909fs, N862fs, N781fs, N782fs, N798fs, N820fs, N867fs, N821fs.
Identifiers: ClinVar variation 54658 (VCV000054658.5), dbSNP rs80357712, ClinGen allele CA001794.